The following is an entry in ClinVar:

ClinVar aggregate classification (germline): Uncertain significance (1 of 4 stars; one submission).

Submission:

GeneDx
Classification: Uncertain significance. Last evaluated: 2023-11-14. Review status: criteria provided, single submitter. Criteria: GeneDx Variant Classification Process June 2021. Collection method: clinical testing. Allele origin: germline. Affected: yes.
Comment: Not observed at significant frequency in large population cohorts (gnomAD); In silico analysis supports that this missense variant does not alter protein structure/function; Has not been previously published as pathogenic or benign to our knowledge

NM_000368.5(TSC1):c.1667A>G (p.Asp556Gly)

Gene: TSC1 (TSC complex subunit 1; minus strand). Cytogenetic location: 9q34.13.
Variant type: single nucleotide variant.
Coding change: c.1667A>G on transcript NM_000368.5 (MANE Select); coding-DNA position 1667, A replaced by G.
Protein change: p.Asp556Gly; replaces aspartic acid 556 with glycine.
Molecular consequence: missense variant. On other transcripts: non-coding transcript variant (5).
Genome position (GRCh38, 1-based): chr9:132,905,911, T>C on the plus strand (A>G on the coding strand, the complement: TSC1 is on the minus strand). VCF-style: chr9-132905911-T-C. GRCh37 (hg19) VCF-style: chr9-135781298-T-C.
Other names: c.614A>G, p.Asp205Gly (NM_001406630.1, NM_001406629.1); c.1664A>G, p.Asp555Gly (NM_001162426.2, NM_001406597.1, NM_001406598.1 and 6 more transcripts); c.1514A>G, p.Asp505Gly (NM_001162427.2, NM_001406610.1); c.1304A>G, p.Asp435Gly (NM_001362177.2, NM_001406614.1, NM_001406615.1 and 5 more transcripts); c.1667A>G, p.Asp556Gly (NM_001406592.1, NM_001406593.1, NM_001406594.1 and 7 more transcripts); c.1511A>G, p.Asp504Gly (NM_001406611.1, NM_001406612.1, NM_001406613.1); c.1301A>G, p.Asp434Gly (NM_001406620.1, NM_001406621.1, NM_001406622.1 and 2 more transcripts); c.716A>G, p.Asp239Gly (NM_001406626.1); and 1 more; short protein forms D205G, D238G, D239G, D434G, D435G, D504G, D505G, D555G.
Identifiers: ClinVar variation 3364078 (VCV003364078.1).